The following is an entry in ClinVar:

NM_006363.6(SEC23B):c.1512-3delinsTT

Gene: SEC23B (SEC23 homolog B, COPII component; plus strand). Cytogenetic location: 20p11.23.
Variant type: Indel.
Coding change: c.1512-3delinsTT on transcript NM_006363.6 (MANE Select); 3 bases into the intron before coding-DNA position 1512, C replaced by TT.
Molecular consequence: intron variant.
Genome position (GRCh38, 1-based): chr20:18,543,016, C replaced by TT. VCF-style: chr20-18543016-C-TT. GRCh37 (hg19) VCF-style: chr20-18523660-C-TT.
Other names: c.1512-3delinsTT (NM_032986.5, NM_001172745.3, NM_032985.6); c.1458-3delinsTT (NM_001172746.3).
Identifiers: ClinVar variation 3896702 (VCV003896702.1).

ClinVar aggregate classification (germline): Uncertain significance (1 of 4 stars; one submission).

Conditions:
Congenital dyserythropoietic anemia, type II (CDAN2). Also called: DYSERYTHROPOIETIC ANEMIA, HEMPAS TYPE. Identifiers: Orphanet 98873, MedGen C1306589, MONDO:0009134, OMIM 224100.

Submission:

BloodGenetics
Classification: Uncertain significance for Congenital dyserythropoietic anemia, type II. Last evaluated: 2025-03-12. Review status: criteria provided, single submitter. Criteria: ACMG Guidelines, 2015. Collection method: clinical testing. Allele origin: germline. Affected: yes. Observed: 1 variant allele.
Comment: The NM_006363.6(SEC23B):c.1512-3delinsTT splicing variant may affect the acceptor splice site in intron 13 of the SEC23B gene. MutationTater2 software predicts that this variant disrupts the normal splicing. This variant was identified in cis with the variant NM_006363.6:c.1512-16_1512-7delACTCTGGAAT; This case was reported in the publication PMID: 37373084, where functional studies were performed to assess the impact of this and other variants. Analysis of mRNA from the patient’s lymphoblastoid cell line (LCL) revealed that the complex variant (NM_032986.4:c.1512-3delinsTT; c.1512-16_1512-7delACTCTGGAAT) leads to skipping of exons 13 and 14 in the SEC23B transcript. Based on these evidences we classified this variant as variant of unknown significance (VUS).

Literature cited by the submitters: PubMed 37373084.